The following is an entry in ClinVar:

ClinVar aggregate classification (germline): Likely pathogenic (1 of 4 stars; one submission).

Conditions:
MYH9-related disorder. Identifiers: MedGen C1854520.

Submission:

PreventionGenetics, part of Exact Sciences
Classification: Likely pathogenic for MYH9-related condition. Last evaluated: 2023-02-07. Review status: criteria provided, single submitter. Criteria: ACMG Guidelines, 2015. Collection method: clinical testing. Allele origin: germline.
Comment: The MYH9 c.5796_5797dupCC variant is predicted to result in a frameshift and premature protein termination (p.Arg1933Profs*16). To our knowledge, this variant has not been reported in the literature or in a large population database, indicating this variant is rare. Frameshift variants in MYH9 are expected to be pathogenic. This variant is interpreted as likely pathogenic.

NM_002473.6(MYH9):c.5796_5797dup (p.Arg1933fs)

Gene: MYH9 (myosin heavy chain 9; minus strand). Cytogenetic location: 22q12.3.
Variant type: Duplication.
Coding change: c.5796_5797dup on transcript NM_002473.6 (MANE Select); coding-DNA positions 5796 to 5797, 2 bases duplicated (CC; older notation c.5796_5797dupCC).
Protein change: p.Arg1933fs; shifts the reading frame from arginine 1933.
Molecular consequence: frameshift variant.
Genome position (GRCh38, 1-based): chr22:36,282,754-36,282,755, GG duplicated on the plus strand (CC on the coding strand, the reverse complement: MYH9 is on the minus strand). VCF-style (leftmost placement, unchanged base first): chr22-36282753-C-CGG. GRCh37 (hg19) VCF-style: chr22-36678799-C-CGG.
Other names: c.5796_5797dupCC (NM_002473.5); short protein forms R1933fs.
Identifiers: ClinVar variation 2630176 (VCV002630176.1), dbSNP rs2517943417, ClinGen allele CA2695200108.